The following is an entry in ClinVar:

NM_000512.5(GALNS):c.181C>T (p.Arg61Trp)

Gene: GALNS (galactosamine (N-acetyl)-6-sulfatase; minus strand). Cytogenetic location: 16q24.3.
Variant type: single nucleotide variant.
Coding change: c.181C>T on transcript NM_000512.5 (MANE Select); coding-DNA position 181, C replaced by T.
Protein change: p.Arg61Trp; replaces arginine 61 with tryptophan.
Molecular consequence: missense variant. On other transcripts: intron variant (1).
Genome position (GRCh38, 1-based): chr16:88,842,769, G>A on the plus strand (C>T on the coding strand, the complement: GALNS is on the minus strand). VCF-style: chr16-88842769-G-A. GRCh37 (hg19) VCF-style: chr16-88909177-G-A.
Other names: p.Arg61Trp; c.199C>T, p.Arg67Trp (NM_001323544.2); c.-311-798C>T (NM_001323543.2); short protein forms R61W, R67W.
Identifiers: ClinVar variation 381663 (VCV000381663.38), dbSNP rs145798311, ClinGen allele CA8235266.

ClinVar aggregate classification (germline): Pathogenic/Likely pathogenic. Review status: criteria provided, multiple submitters, no conflicts (2 of 4 stars). 14 submissions from 14 submitters: Pathogenic (8); Likely pathogenic (6). Last evaluated 2026-01-11.

Conditions:
GALNS-related disorder. Also called: GALNS-related condition.
Morquio syndrome. Also called: Eccentrochondrodysplasia; Mucopolysaccharidosis, Type IV; MPS IV; Mucopolysaccharidosis type 4. Identifiers: Orphanet 582, MedGen C0026707, MONDO:0018938.
Mucopolysaccharidosis, MPS-IV-A (MPS4A). Also called: Morquio syndrome A, mild; MPS IVA; MORQUIO SYNDROME A; mucopolysaccharidosis type 4A; Mucopolysaccharidosis type IV A; Mucopolysaccharidosis Type IVA. Identifiers: Orphanet 309297, Orphanet 582, MedGen C0086651, MONDO:0009659, OMIM 253000.

Allele frequency attached by ClinVar (database versions not stated): gnomAD exomes 0.00004; ESP Exome Variant Server 0.00015; TOPMed 0.00003; ExAC 0.00004; gnomAD 0.00004.
gnomAD v4.1: 33 of 1,613,014 alleles (0.002%); highest among the groups gnomAD compares: African/African-American, 0.0093%; no homozygotes.

Submissions (14):

Labcorp Genetics (formerly Invitae), Labcorp
Classification: Pathogenic for Mucopolysaccharidosis, MPS-IV-A. Last evaluated: 2026-01-11. Review status: criteria provided, single submitter. Criteria: Invitae Variant Classification Sherloc (09022015). Collection method: clinical testing. Allele origin: germline.
Comment: This sequence change replaces arginine, which is basic and polar, with tryptophan, which is neutral and slightly polar, at codon 61 of the GALNS protein (p.Arg61Trp). This variant is present in population databases (rs145798311, gnomAD 0.02%). This missense change has been observed in individual(s) with mucopolysaccharidosis type IVA (PMID: 23876334, 30797135; internal data). ClinVar contains an entry for this variant (Variation ID: 381663). Invitae Evidence Modeling of protein sequence and biophysical properties (such as structural, functional, and spatial information, amino acid conservation, physicochemical variation, residue mobility, and thermodynamic stability) indicates that this missense variant is expected to disrupt GALNS protein function with a positive predictive value of 95%. For these reasons, this variant has been classified as Pathogenic.

Women's Health and Genetics/Laboratory Corporation of America, LabCorp
Classification: Pathogenic for Morquio syndrome. Last evaluated: 2025-11-03. Review status: criteria provided, single submitter. Criteria: LabCorp Variant Classification Summary - May 2015. Collection method: clinical testing. Allele origin: germline.
Comment: Variant summary: GALNS c.181C>T (p.Arg61Trp) results in a non-conservative amino acid change located in the Sulfatase, N-terminal domain (IPR000917) of the encoded protein sequence. Algorithms developed to predict the effect of missense changes on protein structure and function all suggest that this variant is likely to be disruptive. The variant allele was found at a frequency of 4e-05 in 248128 control chromosomes. This frequency is not significantly higher than estimated for disease-causing variants in GALNS, allowing no conclusion about variant significance. c.181C>T has been observed in multiple individuals affected with Mucopolysaccharidosis Type IVA (example: Tomatsu_2005, Dung_2013, Li_GALNS_2019, Fang_2022, Yi_2022). These data indicate that the variant is very likely to be associated with disease. The following publications have been ascertained in the context of this evaluation (PMID: 23876334, 34813777, 30797135, 16287098, 35212421). ClinVar contains an entry for this variant (Variation ID: 381663). Based on the evidence outlined above, the variant was classified as pathogenic.

Clinical Biomedical Laboratory, Shriners Hospital For Children - Canada
Classification: Pathogenic for Mucopolysaccharidosis, MPS-IV-A. Last evaluated: 2025-10-05. Review status: criteria provided, single submitter. Criteria: ACMG Guidelines, 2015. Collection method: clinical testing. Allele origin: germline. Affected: yes.
Comment: This variant is predicted to substitute an arginine residue by a tryptophan residue. This variant is absent from the Genome Aggregation Database (v2.1.1). This specific variant has been reported in the literature several times (e.g., PMID: 16287098).

CeGaT Center for Human Genetics Tuebingen
Classification: Pathogenic. Last evaluated: 2025-09-01. Review status: criteria provided, single submitter. Criteria: CeGaT Center For Human Genetics Tuebingen Variant Classification Criteria Version 2. Collection method: clinical testing. Allele origin: germline. Affected: yes. Observed: 1 variant allele.
Comment: GALNS: PM3:Very Strong, PM1, PM2

GeneDx
Classification: Likely pathogenic. Last evaluated: 2025-05-06. Review status: criteria provided, single submitter. Criteria: GeneDx Variant Classification Process June 2021. Collection method: clinical testing. Allele origin: germline. Affected: yes.
Comment: In silico analysis supports that this missense variant has a deleterious effect on protein structure/function; This variant is associated with the following publications: (PMID: 30797135, 22940367, 25287660, 25501214, 23876334, 35212421, 16287098, 34813777, 34867278)

PreventionGenetics, part of Exact Sciences
Classification: Likely pathogenic for GALNS-related condition. Last evaluated: 2025-02-25. Review status: criteria provided, single submitter. Criteria: ACMG Guidelines, 2015. Collection method: clinical testing. Allele origin: germline.
Comment: The GALNS c.181C>T variant is predicted to result in the amino acid substitution p.Arg61Trp. This variant has been reported in the homozygous and compound heterozygous states in multiple individuals with autosomal recessive mucopolysaccharidosis IVA (see for example, Table 1, Dũng et al. 2013. PubMed ID: 23876334; Table S1, Yi et al. 2022. PubMed ID: 35212421; Table 2, Fang et al. 2022. PubMed ID: 34813777). This variant is documented in 0.016% of alleles in individuals of African descent in gnomAD. This variant is interpreted as likely pathogenic.

Fulgent Genetics
Classification: Pathogenic for Mucopolysaccharidosis, MPS-IV-A. Last evaluated: 2024-03-22. Review status: criteria provided, single submitter. Criteria: ACMG Guidelines, 2015. Collection method: clinical testing. Allele origin: germline.

Revvity Omics, Revvity
Classification: Likely pathogenic for Mucopolysaccharidosis, MPS-IV-A. Last evaluated: 2022-10-10. Review status: criteria provided, single submitter. Criteria: ACMG Guidelines, 2015. Collection method: clinical testing. Allele origin: germline.

Kasturba Medical College, Manipal, Kasturba Medical College, Manipal, Manipal Academy of Higher Education, Manipal, India
Classification: Pathogenic for Mucopolysaccharidosis, MPS-IV-A. Last evaluated: 2022-05-09. Review status: criteria provided, single submitter. Criteria: ACMG Guidelines, 2015. Collection method: clinical testing. Allele origin: germline. Affected: yes. Observed: 2 variant alleles.

Genome-Nilou Lab
Classification: Likely pathogenic for Mucopolysaccharidosis, MPS-IV-A. Last evaluated: 2021-11-07. Review status: criteria provided, single submitter. Criteria: ACMG Guidelines, 2015. Collection method: clinical testing. Allele origin: germline. Affected: no.

Foundation for Research in Genetics and Endocrinology, FRIGE's Institute of Human Genetics
Classification: Pathogenic for Mucopolysaccharidosis, MPS-IV-A. Last evaluated: 2021-09-20. Review status: criteria provided, single submitter. Criteria: ACMG Guidelines, 2015. Collection method: clinical testing. Allele origin: germline. Inheritance: Autosomal recessive inheritance. Affected: yes. Observed: 1 compound heterozygote.
Comment: A heterozygous missense variation in exon 2 of the GALNS gene that results in the amino acid substitution of Tryptophan for Arginine at codon 61 was detected. The observed variant c.181C>T (p.Arg61Trp) has not been reported in the 1000 genomes and a minor allele frequency of 0.004% in the gnomAD databases. The in silico prediction of the variant is disease causing by DANN, SIFT and MutationTaster2. The variant has been classified as pathogenic by Uniprot and is present in the catalytic domain of the GALNS_HUMAN protein. The reference codon is conserved across species. In summary, the variant meets our criteria to be classified as a pathogenic variant.

Laboratory of Diagnosis and Therapy of Lysosomal Disorders, University of Padova
Classification: Likely pathogenic for Mucopolysaccharidosis, MPS-IV-A. Last evaluated: 2021-02-01. Review status: criteria provided, single submitter. Criteria: ACMG Guidelines, 2015. Collection method: research. Allele origin: germline. Affected: yes.
Comment: The prevalence of the variant in affected individuals is significantly increased compared with the prevalence in controls (PS4_strong); very low frequency in gnomAD v2.1.1 (PM2_moderate); multiple lines of computational evidence support a deleterious effect on the gene (PP3_supporting)

Clinical Genetics Service, Universitary Hospital 12 de Octubre
Classification: Pathogenic for Mucopolysaccharidosis, MPS-IV-A. Review status: criteria provided, single submitter. Criteria: ACMG Guidelines, 2015. Collection method: clinical testing. Allele origin: germline. Affected: yes.

Laboratory of Inherited Metabolic Diseases, Research centre for medical genetics
Classification: Likely pathogenic for Mucopolysaccharidosis, MPS-IV-A. Review status: criteria provided, single submitter. Criteria: ACMG Guidelines, 2015. Collection method: research. Allele origin: germline. Affected: yes. Observed: 1 variant allele, 1 homozygote.
Comment: The patients blood mRNA analysis demonstrated the alteration of splicing.

Literature cited by the submitters: PubMed 23876334 (cited by 3 submitters); PubMed 30797135 (cited by 3 submitters); PubMed 16287098 (cited by 3 submitters); PubMed 34813777 (cited by Women's Health and Genetics/Laboratory Corporation of America, LabCorp); PubMed 35212421 (cited by Women's Health and Genetics/Laboratory Corporation of America, LabCorp); PubMed 16959974 (cited by Foundation for Research in Genetics and Endocrinology, FRIGE's Institute of Human Genetics); PubMed 34387910 (cited by Laboratory of Diagnosis and Therapy of Lysosomal Disorders, University of Padova).